The following is an entry in ClinVar:

ClinVar aggregate classification (germline): Uncertain significance (1 of 4 stars; one submission).

Conditions:
Congenital disorder of glycosylation type Ir (CDG1R). Also called: DDOST-congenital disorder of glycosylation. Identifiers: Orphanet 300536, MedGen C3281084, MONDO:0013789, OMIM 614507.

Allele frequency attached by ClinVar (database versions not stated): ExAC 0.00001; gnomAD exomes 0.00001; TOPMed 0.00002.
gnomAD v4.1: 8 of 1,613,944 alleles (0.0005%); highest among the groups gnomAD compares: Admixed American, 0.0033%; no homozygotes.

Submission:

Labcorp Genetics (formerly Invitae), Labcorp
Classification: Uncertain significance for Congenital disorder of glycosylation type Ir. Last evaluated: 2024-02-24. Review status: criteria provided, single submitter. Criteria: Invitae Variant Classification Sherloc (09022015). Collection method: clinical testing. Allele origin: germline.
Comment: This sequence change replaces serine, which is neutral and polar, with leucine, which is neutral and non-polar, at codon 424 of the DDOST protein (p.Ser424Leu). This variant is present in population databases (rs746272803, gnomAD 0.006%). This variant has not been reported in the literature in individuals affected with DDOST-related conditions. ClinVar contains an entry for this variant (Variation ID: 2070810). An algorithm developed to predict the effect of missense changes on protein structure and function (PolyPhen-2) suggests that this variant is likely to be tolerated. In summary, the available evidence is currently insufficient to determine the role of this variant in disease. Therefore, it has been classified as a Variant of Uncertain Significance.

NM_005216.5(DDOST):c.1220C>T (p.Ser407Leu)

Gene: DDOST (dolichyl-diphosphooligosaccharide--protein glycosyltransferase non-catalytic subunit; minus strand). Cytogenetic location: 1p36.12.
Variant type: single nucleotide variant.
Coding change: c.1220C>T on transcript NM_005216.5 (MANE Select); coding-DNA position 1220, C replaced by T.
Protein change: p.Ser407Leu; replaces serine 407 with leucine.
Molecular consequence: missense variant.
Genome position (GRCh38, 1-based): chr1:20,652,479, G>A on the plus strand (C>T on the coding strand, the complement: DDOST is on the minus strand). VCF-style: chr1-20652479-G-A. GRCh37 (hg19) VCF-style: chr1-20978972-G-A.
Other names: short protein forms S407L.
Identifiers: ClinVar variation 2070810 (VCV002070810.4), dbSNP rs746272803, ClinGen allele CA660984.